The following is an entry in ClinVar:

ClinVar aggregate classification (germline): Conflicting classifications of pathogenicity. Review status: criteria provided, conflicting classifications (1 of 4 stars). 9 submissions from 9 submitters: Likely pathogenic (7); Uncertain significance (1). 1 of the submissions does not count toward it. Last evaluated 2025-12-30.

Conditions:
Hereditary cancer-predisposing syndrome. Also called: Hereditary Cancer Syndrome; Tumor predisposition; Neoplastic Syndromes, Hereditary; Hereditary neoplastic syndrome. Identifiers: Orphanet 140162, MedGen C0027672, MeSH D009386, MONDO:0015356.
Hereditary breast ovarian cancer syndrome. Also called: Hereditary breast and ovarian cancer syndrome; Hereditary breast and ovarian cancer syndrome (HBOC); Hereditary breast and ovarian cancer; Hereditary breast and/or ovarian cancer syndrome; BRCA1- and BRCA2-Associated Hereditary Breast and Ovarian Cancer; Breast and ovarian cancer. Identifiers: Orphanet 145, MedGen C0677776, MeSH D061325, MONDO:0003582. Disease mechanism: loss of function.
Ataxia-telangiectasia syndrome (AT). Also called: ATAXIA-TELANGIECTASIA, COMPLEMENTATION GROUP A; ATAXIA-TELANGIECTASIA, FRESNO VARIANT; Ataxia-telangiectasia; Ataxia-telangiectasia, complementation group E; Cerebello-oculocutaneous telangiectasia; Immunodeficiency with ataxia telangiectasia. Identifiers: Orphanet 100, MedGen C0004135, MONDO:0008840, OMIM 208900.
Familial cancer of breast. Also called: hereditary breast carcinoma; BREAST CANCER, FAMILIAL; Hereditary breast cancer. Identifiers: Orphanet 227535, MedGen C0346153, MONDO:0016419, OMIM 114480. Disease mechanism: loss of function.

Submissions (9):

Labcorp Genetics (formerly Invitae), Labcorp
Classification: Likely pathogenic for Ataxia-telangiectasia syndrome. Last evaluated: 2025-12-30. Review status: criteria provided, single submitter. Criteria: Invitae Variant Classification Sherloc (09022015). Collection method: clinical testing. Allele origin: germline.
Comment: This sequence change replaces tyrosine, which is neutral and polar, with aspartic acid, which is acidic and polar, at codon 2049 of the ATM protein (p.Tyr2049Asp). This variant is not present in population databases (gnomAD no frequency). This missense change has been observed in individual(s) with ataxia-telangiectasia (PMID: 25614872, 31611883, 38917355). ClinVar contains an entry for this variant (Variation ID: 187481). Invitae Evidence Modeling of protein sequence and biophysical properties (such as structural, functional, and spatial information, amino acid conservation, physicochemical variation, residue mobility, and thermodynamic stability) has been performed for this missense variant. However, the output from this modeling did not meet the statistical confidence thresholds required to predict the impact of this variant on ATM protein function. In summary, the currently available evidence indicates that the variant is pathogenic, but additional data are needed to prove that conclusively. Therefore, this variant has been classified as Likely Pathogenic.

Myriad Genetics, Inc.
Classification: Likely pathogenic for Familial cancer of breast. Last evaluated: 2025-04-09. Review status: criteria provided, single submitter. Criteria: Myriad Autosomal Dominant, Autosomal Recessive and X-Linked Classification Criteria (2023). Collection method: clinical testing. Allele origin: unknown.
Comment: This variant is considered likely pathogenic. This variant has been reported in multiple individuals with clinical features of gene-specific disease [PMID: 38917355, 37438524, 31611883, 25614872].

Women's Health and Genetics/Laboratory Corporation of America, LabCorp
Classification: Likely pathogenic for Ataxia-telangiectasia syndrome. Last evaluated: 2025-01-30. Review status: criteria provided, single submitter. Criteria: LabCorp Variant Classification Summary - May 2015. Collection method: clinical testing. Allele origin: germline.
Comment: Variant summary: ATM c.6145T>G (p.Tyr2049Asp) results in a non-conservative amino acid change located in the PIK-related kinase domain (IPR014009) of the encoded protein sequence. Four of five in-silico tools predict a damaging effect of the variant on protein function. The variant was absent in 251404 control chromosomes. c.6145T>G has been reported in the literature in at-least four individuals affected with Ataxia-Telangiectasia as well as a VUS in settings of multigene panel testing among individuals with a variety of cancers (example, Podralska_2014, Maciejczyk_2019, Seligson_2019, Moens_2014, Pearlman_2021, Elitzur_2024). To our knowledge, no experimental evidence demonstrating an impact on protein function has been reported. The following publications have been ascertained in the context of this evaluation (PMID: 31611883, 25502423, 34250417, 25614872, 30541756, 38917355). ClinVar contains an entry for this variant (Variation ID: 187481). Based on the evidence outlined above, the variant was classified as likely pathogenic.

Ambry Genetics
Classification: Likely pathogenic for Hereditary cancer-predisposing syndrome. Last evaluated: 2024-11-13. Review status: criteria provided, single submitter. Criteria: Ambry Variant Classification Scheme 2023. Collection method: clinical testing. Allele origin: germline.
Comment: The p.Y2049D variant (also known as c.6145T>G), located in coding exon 41 of the ATM gene, results from a T to G substitution at nucleotide position 6145. The tyrosine at codon 2049 is replaced by aspartic acid, an amino acid with highly dissimilar properties. This variant has been identified in individuals diagnosed with ataxia telangiectasia (Podralska MJ et al. Mol Genet Genomic Med. 2014 Nov;2:504-11; Maciejczyk M et al. Front Immunol, 2019 Sep;10:2322). This amino acid position is highly conserved in available vertebrate species. In addition, the in silico prediction for this alteration is inconclusive. This variant is considered to be rare based on population cohorts in the Genome Aggregation Database (gnomAD). Based on the majority of available evidence to date, this variant is likely to be pathogenic.

Color Diagnostics, LLC DBA Color Health
Classification: Likely pathogenic for Hereditary cancer-predisposing syndrome. Last evaluated: 2024-05-31. Review status: criteria provided, single submitter. Criteria: ACMG Guidelines, 2015. Collection method: clinical testing. Allele origin: germline.
Comment: This missense variant replaces tyrosine with aspartic acid at codon 2049 of the ATM protein. Computational prediction suggests that this variant may have deleterious impact on protein structure and function. To our knowledge, functional studies have not been reported for this variant. This variant has been observed in the compound heterozygous state in individuals affected with autosomal recessive Wilson disease (PMID: 25614872, 31611883), indicating that this variant contributes to disease. This variant has not been identified in the general population by the Genome Aggregation Database (gnomAD). Based on the available evidence, this variant is classified as Likely Pathogenic.

Baylor Genetics
Classification: Likely pathogenic for Familial cancer of breast. Last evaluated: 2024-01-26. Review status: criteria provided, single submitter. Criteria: ACMG Guidelines, 2015. Collection method: clinical testing. Allele origin: unknown.

German Consortium for Hereditary Breast and Ovarian Cancer, University Hospital Cologne
Classification: Likely pathogenic for Hereditary breast ovarian cancer syndrome. Last evaluated: 2024-01-09. Review status: criteria provided, single submitter. Criteria: ACMG Guidelines, 2015. Collection method: curation. Allele origin: germline.
Comment: . According to the ACMG standard criteria we chose these criteria: PM2 (supporting pathogenic): Absent from controls , PM3 (strong pathogenic): found in trans in AT-patients: Maciejczyk et al und Podralska et al., PP3 (supporting pathogenic): REVEL: 0,83

GeneDx
Classification: Uncertain significance. Last evaluated: 2017-10-25. Review status: criteria provided, single submitter. Criteria: GeneDx Variant Classification (06012015). Collection method: clinical testing. Allele origin: germline. Affected: yes.
Comment: This variant is denoted ATM c.6145T>G at the cDNA level, p.Tyr2049Asp (Y2049D) at the protein level,and results in the change of a Tyrosine to an Aspartic Acid (TAT>GAT). This variant was observed in the compoundheterozygous state with another ATM variant in a pediatric patient with ataxia-telangiectasia (Podralska 2014). ATMTyr2049Asp was not observed in large population cohorts (Lek 2016). Since Tyrosine and Aspartic Acid differ inpolarity, charge, size or other properties, this is considered a non-conservative amino acid substitution. ATMTyr2049Asp occurs at a position that is conserved across species and is located within the FAT domain (Stracker2013). In silico analyses predict that this variant is probably damaging to protein structure and function. Based oncurrently available information, it is unclear whether ATM Tyr2049Asp is pathogenic or benign. We consider it to be avariant of uncertain significance

Counsyl
Classification: Uncertain significance for Ataxia-telangiectasia syndrome. Last evaluated: 2018-01-19. Review status: no assertion criteria provided. Collection method: clinical testing. Allele origin: unknown. Not counted in ClinVar's aggregate classification.

Literature cited by the submitters: PubMed 25614872 (cited by 5 submitters); PubMed 31611883 (cited by 5 submitters); PubMed 38917355 (cited by 3 submitters); PubMed 37438524 (cited by Myriad Genetics, Inc.); PubMed 30541756 (cited by Women's Health and Genetics/Laboratory Corporation of America, LabCorp); PubMed 34250417 (cited by Women's Health and Genetics/Laboratory Corporation of America, LabCorp); PubMed 25502423 (cited by 3 submitters).

NM_000051.4(ATM):c.6145T>G (p.Tyr2049Asp)

Genes: ATM (ATM serine/threonine kinase; plus strand), C11orf65 (chromosome 11 open reading frame 65; minus strand). Cytogenetic location: 11q22.3.
Variant type: single nucleotide variant.
Coding change: c.6145T>G on transcript NM_000051.4 (MANE Select); coding-DNA position 6145, T replaced by G.
Protein change: p.Tyr2049Asp; replaces tyrosine 2049 with aspartic acid.
Molecular consequence: missense variant. On other transcripts: intron variant (2).
Genome position (GRCh38, 1-based): chr11:108,316,060, T>G. VCF-style: chr11-108316060-T-G. GRCh37 (hg19) VCF-style: chr11-108186787-T-G.
Other names: c.6145T>G, p.Tyr2049Asp (NM_001351834.2); c.641-6989A>C (NM_001330368.2); c.*39-6989A>C (NM_001351110.2); short protein forms Y2049D.
Identifiers: ClinVar variation 187481 (VCV000187481.23), dbSNP rs786203767, ClinGen allele CA197753.